The following is an entry in ClinVar:

ClinVar aggregate classification (germline): Likely benign. Review status: criteria provided, multiple submitters, no conflicts (2 of 4 stars). 3 submissions from 3 submitters: Likely benign (3). Last evaluated 2026-04-04.

Conditions:
Hereditary breast ovarian cancer syndrome. Also called: Hereditary breast and ovarian cancer; Breast and ovarian cancer; BRCA1- and BRCA2-Associated Hereditary Breast and Ovarian Cancer; Hereditary breast and ovarian cancer syndrome; Hereditary breast and/or ovarian cancer syndrome; Hereditary breast and ovarian cancer syndrome (HBOC). Identifiers: Orphanet 145, MedGen C0677776, MeSH D061325, MONDO:0003582. Disease mechanism: loss of function.

Allele frequency attached by ClinVar (database versions not stated): gnomAD 0.00001; TOPMed 0.00001.
gnomAD v4.1: 3 of 1,596,180 alleles (0.00019%); highest among the groups gnomAD compares: African/African-American, 0.0041%; no homozygotes.

Submissions (3):

Women's Health and Genetics/Laboratory Corporation of America, LabCorp
Classification: Likely benign. Last evaluated: 2026-04-04. Review status: criteria provided, single submitter. Criteria: LabCorp Variant Classification Summary - May 2015. Collection method: clinical testing. Allele origin: germline.

Labcorp Genetics (formerly Invitae), Labcorp
Classification: Likely benign for Hereditary breast ovarian cancer syndrome. Last evaluated: 2025-06-25. Review status: criteria provided, single submitter. Criteria: Invitae Variant Classification Sherloc (09022015). Collection method: clinical testing. Allele origin: germline.

GeneDx
Classification: Likely benign. Last evaluated: 2016-07-20. Review status: criteria provided, single submitter. Criteria: GeneDx Variant Classification (06012015). Collection method: clinical testing. Allele origin: germline. Affected: yes.
Comment: This variant is considered likely benign or benign based on one or more of the following criteria: it is a conservative change, it occurs at a poorly conserved position in the protein, it is predicted to be benign by multiple in silico algorithms, and/or has population frequency not consistent with disease.

NM_000059.4(BRCA2):c.9256+14T>G

Gene: BRCA2 (BRCA2 DNA repair associated; plus strand). Cytogenetic location: 13q13.1.
Variant type: single nucleotide variant.
Coding change: c.9256+14T>G on transcript NM_000059.4 (MANE Select); 14 bases into the intron after coding-DNA position 9256, T replaced by G.
Molecular consequence: intron variant.
Genome position (GRCh38, 1-based): chr13:32,380,159, T>G. VCF-style: chr13-32380159-T-G. GRCh37 (hg19) VCF-style: chr13-32954296-T-G.
Identifiers: ClinVar variation 388083 (VCV000388083.11), dbSNP rs1048397396, ClinGen allele CA16606455.